The following is an entry in ClinVar:

NM_001457.4(FLNB):c.2195A>G (p.Tyr732Cys)

Gene: FLNB (filamin B; plus strand). Cytogenetic location: 3p14.3.
Variant type: single nucleotide variant.
Coding change: c.2195A>G on transcript NM_001457.4 (MANE Select); coding-DNA position 2195, A replaced by G.
Protein change: p.Tyr732Cys; replaces tyrosine 732 with cysteine.
Molecular consequence: missense variant.
Genome position (GRCh38, 1-based): chr3:58,109,318, A>G. VCF-style: chr3-58109318-A-G. GRCh37 (hg19) VCF-style: chr3-58095045-A-G.
Other names: c.2195A>G, p.Tyr732Cys (NM_001164317.2, NM_001164318.2, NM_001164319.2); short protein forms Y732C.
Identifiers: ClinVar variation 2734540 (VCV002734540.6), dbSNP rs1266538760, ClinGen allele CA353343241.

ClinVar aggregate classification (germline): Uncertain significance. Review status: criteria provided, multiple submitters, no conflicts (2 of 4 stars). 3 submissions from 3 submitters: Uncertain significance (3). Last evaluated 2024-04-04.

Conditions:
Atelosteogenesis type I. Also called: Atelosteogenesis Type 1 (FLNB-AO1); GIANT CELL CHONDRODYSPLASIA; SPONDYLOHUMEROFEMORAL HYPOPLASIA. Identifiers: Orphanet 1190, MedGen C0265283, MONDO:0007167, OMIM 108720.
Atelosteogenesis type III. Also called: Atelosteogenesis Type 3 (FLNB-AO3). Identifiers: Orphanet 56305, MedGen C3668942, MONDO:0007168, OMIM 108721.
Boomerang dysplasia. Identifiers: Orphanet 1263, MedGen C0432201, MONDO:0007208, OMIM 112310.
Spondylocarpotarsal synostosis syndrome (SCT). Also called: Spondylocarpotarsal Synostosis Syndrome (FLNB-SCT); SPONDYLOCARPOTARSAL SYNDROME; VERTEBRAL FUSION WITH CARPAL COALITION; Synspondylism congenital; Scoliosis, congenital with unilateral unsegmented bar. Identifiers: Orphanet 3275, MedGen C1848934, MONDO:0010094, OMIM 272460.
Larsen syndrome (LRS). Also called: Larsen syndrome (FLNB-LS); Bilateral dislocation of the knees, pes cavus, cylindrically shaped fingers and characteristic facies. Identifiers: Orphanet 503, MedGen C0175778, MONDO:0007875, OMIM 150250. Disease mechanism: loss of function.

Allele frequency attached by ClinVar (database versions not stated): gnomAD 0.00001; TOPMed 0.00001.
gnomAD v4.1: 11 of 1,613,376 alleles (0.00068%); highest among the groups gnomAD compares: South Asian, 0.0022%; no homozygotes.

Submissions (3):

Women's Health and Genetics/Laboratory Corporation of America, LabCorp
Classification: Uncertain significance. Last evaluated: 2024-04-04. Review status: criteria provided, single submitter. Criteria: LabCorp Variant Classification Summary - May 2015. Collection method: clinical testing. Allele origin: germline.
Comment: Variant summary: FLNB c.2195A>G (p.Tyr732Cys) results in a non-conservative amino acid change in the encoded protein sequence. Five of five in-silico tools predict a damaging effect of the variant on protein function. The variant allele was found at a frequency of 8e-06 in 248892 control chromosomes. The available data on variant occurrences in the general population are insufficient to allow any conclusion about variant significance. c.2195A>G has been reported in the literature in individuals affected with Talipes equinovarus (Yang_2016). These report(s) do not provide unequivocal conclusions about association of the variant with Larsen Syndrome. At least one publication reports experimental evidence evaluating an impact on protein function, and suggests an impact on protein function (Yang_2016). The following publication have been ascertained in the context of this evaluation (PMID: 27395407). ClinVar contains an entry for this variant (Variation ID: 2734540). Based on the evidence outlined above, the variant was classified as uncertain significance.

Labcorp Genetics (formerly Invitae), Labcorp
Classification: Uncertain significance. Last evaluated: 2023-12-02. Review status: criteria provided, single submitter. Criteria: Invitae Variant Classification Sherloc (09022015). Collection method: clinical testing. Allele origin: germline.
Comment: This sequence change replaces tyrosine, which is neutral and polar, with cysteine, which is neutral and slightly polar, at codon 732 of the FLNB protein (p.Tyr732Cys). This variant is present in population databases (no rsID available, gnomAD 0.003%). This missense change has been observed in individual(s) with isolated congenital talipes equinovarus (PMID: 27395407). Advanced modeling of protein sequence and biophysical properties (such as structural, functional, and spatial information, amino acid conservation, physicochemical variation, residue mobility, and thermodynamic stability) performed at Invitae indicates that this missense variant is not expected to disrupt FLNB protein function with a negative predictive value of 95%. Experimental studies have shown that this missense change affects FLNB function (PMID: 27395407). In summary, the available evidence is currently insufficient to determine the role of this variant in disease. Therefore, it has been classified as a Variant of Uncertain Significance.

Juno Genomics, Hangzhou Juno Genomics, Inc
Classification: Uncertain significance for Atelosteogenesis type I; Atelosteogenesis type III; Boomerang dysplasia; Larsen syndrome; Spondylocarpotarsal synostosis syndrome. Review status: criteria provided, single submitter. Criteria: ACMG Guidelines, 2015. Collection method: clinical testing. Allele origin: germline. Affected: yes.
Comment: Absent from controls (or at extremely low frequency if recessive) in Genome Aggregation Database, Exome Sequencing Project, 1000 Genomes Project, or Exome Aggregation Consortium.;Well-established in vitro or in vivo functional studies supportive of a damaging effect on the gene or gene product.;The prevalence of the variant in affected individuals is significantly increased compared to the prevalence in controls.

Literature cited by the submitters: PubMed 27395407 (cited by Women's Health and Genetics/Laboratory Corporation of America, LabCorp and Labcorp Genetics (formerly Invitae), Labcorp).